The following continues an entry in ClinVar:

NM_000051.4(ATM):c.7135C>G (p.Leu2379Val)

ClinVar aggregate classification (germline): Conflicting classifications of pathogenicity. Uncertain significance (12); Likely benign (1).

Submissions 7 to 14 of 14:

Color Diagnostics, LLC DBA Color Health
Classification: Uncertain significance for Hereditary cancer-predisposing syndrome. Last evaluated: 2024-03-11. Review status: criteria provided, single submitter. Criteria: ACMG Guidelines, 2015. Collection method: clinical testing. Allele origin: germline.
Comment: This missense variant replaces leucine with valine at codon 2379 of the ATM protein. Computational prediction suggests that this variant may not impact protein structure and function. Splice site prediction tools suggest that this variant may create a splice donor site. A study using RNA from carrier-derived lymphocytes has shown that this variant leads to partial use of this donor site, resulting in the deletion of the last 173 nucleotides of exon 49 in the RNA transcript (PMID: 33011440). The aberrant transcript is expected to create a premature translation stop signal and result in an absent or non-functional protein product. An incomplete splice defect resulting from this variant has also been reported in ClinVar (ClinVar Variation ID: 186475). This variant has been reported in individuals with personal and/or family history of breast and/or ovarian cancer (PMID: 33011440), in an individual affected by prostate cancer (PMID: 38049230), and in an individual affected with multiple myeloma (PMID: 29954938). This variant has also been identified in 13/251424 chromosomes (13/34584 Latino chromosomes) in the general population by the Genome Aggregation Database (gnomAD). The available evidence is insufficient to determine the role of this variant in disease conclusively. Therefore, this variant is classified as a Variant of Uncertain Significance.

Baylor Genetics
Classification: Uncertain significance for Familial cancer of breast. Last evaluated: 2024-02-29. Review status: criteria provided, single submitter. Criteria: ACMG Guidelines, 2015. Collection method: clinical testing. Allele origin: unknown.

Fulgent Genetics
Classification: Uncertain significance for Familial cancer of breast; Ataxia-telangiectasia syndrome. Last evaluated: 2023-12-28. Review status: criteria provided, single submitter. Criteria: ACMG Guidelines, 2015. Collection method: clinical testing. Allele origin: germline.

CeGaT Center for Human Genetics Tuebingen
Classification: Uncertain significance. Last evaluated: 2022-12-01. Review status: criteria provided, single submitter. Criteria: CeGaT Center For Human Genetics Tuebingen Variant Classification Criteria Version 2. Collection method: clinical testing. Allele origin: germline. Affected: yes. Observed: 1 variant allele.
Comment: ATM: PS3:Moderate, PP3

St. Jude Molecular Pathology, St. Jude Children's Research Hospital
Classification: Uncertain significance for Ataxia-telangiectasia syndrome. Last evaluated: 2022-07-14. Review status: criteria provided, single submitter. Criteria: St. Jude Assertion Criteria 2020. Collection method: clinical testing. Allele origin: germline.
Comment: The ATM c.7135C>G (p.Leu2379Val) missense change has a maximum frequency of 0.038% in gnomAD v2.1.1. Algorithms that predict the impact of sequence changes on splicing indicate that this variant may create a novel splice donor site. RNA studies demonstrate that this variant leads to partial skipping of exon 49 due to the activation of a cryptic splice donor site (PMID: 33011440, internal data), and subsequently leads to out of frame alternative splicing that is expected to produce a truncated protein. This variant has been reported in individuals with personal and/or family history of breast and/or ovarian cancer (PMID: 33011440). Case-control studies are not available to determine the prevalence of the variant in affected individuals compared with the prevalence in controls. This variant currently meets the criteria to be classified as of uncertain significance based on the ClinGen hereditary breast, ovarian and pancreatic cancer expert panel specifications to the ACMG/AMP variant interpretation guidelines for ATM. However, additional evidence in the future may allow for re-classification of this variant as likely pathogenic. In summary, the available evidence is currently insufficient to determine the clinical significance of this variant. It has therefore been classified as of uncertain significance.

Spanish ATM Cancer Susceptibility Variant Interpretation Working Group
Classification: Uncertain significance for Hereditary cancer-predisposing syndrome. Last evaluated: 2020-06-17. Review status: criteria provided, single submitter. Criteria: Feliubadaló L et al. (Clin Chem 2021). Collection method: clinical testing. Allele origin: germline. Affected: yes. Observed: 1 heterozygote.
Comment: The c.7135C>G variant has an allele frequency of 0.0055%, (13/236,890 alleles) in the gnomAD v2.1.1 non-cancer dataset, with a maximal frequency of 0.038%, (13/34,252 alleles) in the Latino / Admixed American subpopulation (no population frequency criterion met). It does not lead to a splicing alteration as per SPiCE predictor, but a new donor site is created/activated, with a score exceeding the one of the natural site, according to 3 splicing predictors of the set SpliceSiteFinderlike-MaxEntScan-NNSplice-GeneSplicer (PP3). RNA analysis studies in a breast cancer patient RNA revealed a partial skipping at the 3’ end of exon 49. A Single-nucleotide primer extension (SNuPE) assay showed that the alteration is not complete, but the variant allele produces more than 90% of altered transcript, r.[7135c>g,7135_7307del]. The altered transcript is expected to produce a frame-shift with a premature STOP codon and nonsense-mediated decay, p.[Leu2379Val,Leu2379Ilefs*13] (PS3_Moderate, PMID: 33011440). There is no other supporting data that meet criteria for consideration. Therefore, the clinical significance of this variant is uncertain. Adapted ACMG/AMP rules applied as defined by the Spanish ATM working group: PP3 + PS3_Moderate (PMID: 33280026).

Division of Medical Genetics, University of Washington
Classification: Uncertain significance for Familial cancer of breast. Last evaluated: 2020-04-09. Review status: criteria provided, single submitter. Criteria: ACMG Guidelines, 2015. Collection method: clinical testing. Allele origin: germline. Affected: no. Study: CSER_CHARM.
Comment: To our knowledge, this variant has not been reported in the literature. This variant has an overall allele frequency of 0.00005 in the Broad Institute gnomAD Browser, and was found only in individuals of Latino ancestry. In silico analyses indicate that this variant may not alter protein structure/function. Thus, it is unknown at this time whether this variant increases cancer risk. BP4

Natera, Inc.
Classification: Uncertain significance for Ataxia-telangiectasia. Last evaluated: 2020-09-16. Review status: no assertion criteria provided. Collection method: clinical testing. Allele origin: germline. Not counted in ClinVar's aggregate classification.

Literature cited by the submitters: PubMed 33280026 (cited by Women's Health and Genetics/Laboratory Corporation of America, LabCorp and Ambry Genetics); PubMed 33011440 (cited by 5 submitters); PubMed 29954938 (cited by 3 submitters); PubMed 33471991 (cited by Ambry Genetics); PubMed 25085752 (cited by Myriad Genetics, Inc.); PubMed 38049230 (cited by Color Diagnostics, LLC DBA Color Health).